The following is an entry in ClinVar:

NM_004523.4(KIF11):c.78-2A>G

Gene: KIF11 (kinesin family member 11; plus strand). Cytogenetic location: 10q23.33.
Variant type: single nucleotide variant.
Coding change: c.78-2A>G on transcript NM_004523.4 (MANE Select); the canonical splice acceptor site of the intron before coding-DNA position 78, A replaced by G.
Molecular consequence: splice acceptor variant.
Genome position (GRCh38, 1-based): chr10:92,606,263, A>G. VCF-style: chr10-92606263-A-G. GRCh37 (hg19) VCF-style: chr10-94366020-A-G.
Identifiers: ClinVar variation 5016786 (VCV005016786.1).

ClinVar aggregate classification (germline): Pathogenic (1 of 4 stars; one submission).

Submission:

GeneDx
Classification: Pathogenic. Last evaluated: 2026-03-24. Review status: criteria provided, single submitter. Criteria: GeneDx Variant Classification Process June 2021. Collection method: clinical testing. Allele origin: germline.
Comment: Identified in one individual from a cohort of patients with suspected mitochondrial disorders and described as a non-mitochondrial diagnosis; however, specific clinical details were not provided (PMID: 34732400); Canonical splice site variant predicted to result in a null allele in a gene for which loss of function is a known mechanism of disease; Not observed at significant frequency in large population cohorts (gnomAD); This variant is associated with the following publications: (PMID: 34732400)